The following is an entry in ClinVar:

NM_000465.4(BARD1):c.114C>T (p.Arg38=)

Gene: BARD1 (BRCA1 associated RING domain 1; minus strand). Cytogenetic location: 2q35.
Variant type: single nucleotide variant.
Coding change: c.114C>T on transcript NM_000465.4 (MANE Select); coding-DNA position 114, C replaced by T.
Protein change: p.Arg38=; no amino-acid change (arginine 38 retained).
Molecular consequence: synonymous variant. On other transcripts: non-coding transcript variant (3).
Genome position (GRCh38, 1-based): chr2:214,809,456, G>A on the plus strand (C>T on the coding strand, the complement: BARD1 is on the minus strand). VCF-style: chr2-214809456-G-A. GRCh37 (hg19) VCF-style: chr2-215674180-G-A.
Other names: c.114C>T, p.Arg38= (NM_001282543.2, NM_001282545.2, NM_001282548.2 and 1 more transcripts).
Identifiers: ClinVar variation 822259 (VCV000822259.5), dbSNP rs1405786437, ClinGen allele CA350464964.
Genomic context (GRCh38, chr2:214,809,456, plus strand): 5'-GAAGCTCCGTCTTTACCAACGCGAGCAGCGCAGCAGCTTCTCCAGGCGGTCGAGCGCGGC[G>A]CGACTGTGGGCCCAGGCACCGCGACCATCCGGTTCCATGGCGGGCGCGGAACGAGGCTCG-3'
Protein context (NP_000456.2, residues 28-48): PDGRGAWAHS[Arg38=]AALDRLEKLL

ClinVar aggregate classification (germline): Benign/Likely benign. Review status: criteria provided, multiple submitters, no conflicts (2 of 4 stars). 2 submissions from 2 submitters: Benign (1); Likely benign (1). Last evaluated 2024-07-18.

Conditions:
Hereditary cancer-predisposing syndrome. Also called: Tumor predisposition; Hereditary Cancer Syndrome; Neoplastic Syndromes, Hereditary; Hereditary neoplastic syndrome. Identifiers: Orphanet 140162, MedGen C0027672, MeSH D009386, MONDO:0015356.
Familial cancer of breast. Also called: BREAST CANCER, FAMILIAL; Hereditary breast cancer; hereditary breast carcinoma. Identifiers: Orphanet 227535, MedGen C0346153, MONDO:0016419, OMIM 114480. Disease mechanism: loss of function.

Allele frequency attached by ClinVar (database versions not stated): gnomAD exomes below 0.00001.
gnomAD v4.1: 1 of 1,611,352 alleles (0.000062%); no homozygotes.

Submissions (2):

Myriad Genetics, Inc.
Classification: Benign for Familial cancer of breast. Last evaluated: 2024-07-18. Review status: criteria provided, single submitter. Criteria: Myriad Autosomal Dominant, Autosomal Recessive and X-Linked Classification Criteria (2023). Collection method: clinical testing. Allele origin: unknown.
Comment: This variant is considered benign. This variant is a silent/synonymous amino acid change and it is not expected to impact splicing.

Ambry Genetics
Classification: Likely benign for Hereditary cancer-predisposing syndrome. Last evaluated: 2018-01-17. Review status: criteria provided, single submitter. Criteria: Ambry Variant Classification Scheme 2023. Collection method: clinical testing. Allele origin: germline.